The following is an entry in ClinVar:

NM_000326.5(RLBP1):c.870_876del (p.Gly291fs)

Gene: RLBP1 (retinaldehyde binding protein 1; minus strand). Cytogenetic location: 15q26.1.
Variant type: Deletion.
Coding change: c.870_876del on transcript NM_000326.5 (MANE Select); coding-DNA positions 870 to 876, 7 bases deleted (GGGCACG; older notation c.870_876delGGGCACG).
Protein change: p.Gly291fs; shifts the reading frame from glycine 291.
Molecular consequence: frameshift variant.
Genome position (GRCh38, 1-based): chr15:89,210,363-89,210,369, CGTGCCC deleted on the plus strand (GGGCACG on the coding strand, the reverse complement: RLBP1 is on the minus strand); deleting any 7 consecutive bases within chr15:89,210,363-89,210,370 gives the same sequence; the c. name uses the placement nearest the transcript's 3' end. VCF-style (leftmost placement, unchanged base first): chr15-89210362-GCGTGCCC-G. GRCh37 (hg19) VCF-style: chr15-89753593-GCGTGCCC-G.
Other names: short protein forms G291fs.
Identifiers: ClinVar variation 1368895 (VCV001368895.6), dbSNP rs2150968490, ClinGen allele CA2573151505.
Genomic context (GRCh38, chr15:89,210,362, plus strand): 5'-CAGCTTGGGCCTGGGGGCCAAAGAGCTGCTCAGCAACGGCCTTGCCATCATACTTGGGCA[GCGTGCCC>G]CCGAAGTCAGAGGGCAGGATGTTCTCATCGATCTCCTGGTAGAAACCAGAAAGGTCATCC-3'

ClinVar aggregate classification (germline): Uncertain significance (1 of 4 stars; one submission).

Submission:

Labcorp Genetics (formerly Invitae), Labcorp
Classification: Uncertain significance. Last evaluated: 2021-07-21. Review status: criteria provided, single submitter. Criteria: Invitae Variant Classification Sherloc (09022015). Collection method: clinical testing. Allele origin: germline.
Comment: In summary, the available evidence is currently insufficient to determine the role of this variant in disease. Therefore, it has been classified as a Variant of Uncertain Significance. This variant disrupts a region of the RLBP1 protein in which other variant(s) (p.Gly298Asp) have been observed in individuals with RLBP1-related conditions (PMID: 22559933, 25429852). This suggests that this is a clinically significant region of the protein, and that variants that disrupt it are likely to be disease-causing. This variant has not been reported in the literature in individuals affected with RLBP1-related conditions. This variant is not present in population databases (ExAC no frequency). This sequence change results in a frameshift in the RLBP1 gene (p.Gly291Cysfs*36). While this is not anticipated to result in nonsense mediated decay, it is expected to disrupt the last 27 amino acid(s) of the RLBP1 protein and extend the protein by 8 additional amino acid residues.

Literature cited by the submitters: PubMed 22559933; PubMed 25429852.